The following is an entry in ClinVar:

ClinVar aggregate classification (germline): Pathogenic (1 of 4 stars; one submission).

Conditions:
Hereditary cancer-predisposing syndrome. Also called: Hereditary neoplastic syndrome; Neoplastic Syndromes, Hereditary; Tumor predisposition; Hereditary Cancer Syndrome. Identifiers: Orphanet 140162, MedGen C0027672, MeSH D009386, MONDO:0015356.

Submission:

Ambry Genetics
Classification: Pathogenic for Hereditary cancer-predisposing syndrome. Last evaluated: 2014-12-30. Review status: criteria provided, single submitter. Criteria: Ambry Variant Classification Scheme 2023. Collection method: clinical testing. Allele origin: germline.
Comment: The c.7004_7005delCA pathogenic mutation, located in coding exon 47 of the ATM gene, results from a deletion of two nucleotides between nucleotide positions 7004 and 7005, causing a translational frameshift with a predicted alternate stop codon (p.T2335Rfs*37). Since frameshifts are typically deleterious in nature, this alteration is interpreted as a disease-causing mutation (ACMG Recommendations for Standards for Interpretation and Reporting of Sequence Variations. Revision 2007. Genet Med. 2008;10:294).

NM_000051.4(ATM):c.7004_7005del (p.Thr2335fs)

Genes: ATM (ATM serine/threonine kinase; plus strand), C11orf65 (chromosome 11 open reading frame 65; minus strand). Cytogenetic location: 11q22.3.
Variant type: Microsatellite.
Coding change: c.7004_7005del on transcript NM_000051.4 (MANE Select); coding-DNA positions 7004 to 7005, 2 bases deleted (CA; older notation c.7004_7005delCA).
Protein change: p.Thr2335fs; shifts the reading frame from threonine 2335.
Molecular consequence: frameshift variant. On other transcripts: intron variant (2).
Genome position (GRCh38, 1-based): chr11:108,327,673-108,327,674, CA deleted; deleting any 2 consecutive bases within chr11:108,327,670-108,327,674 gives the same sequence; the c. name uses the placement nearest the transcript's 3' end. VCF-style (leftmost placement, unchanged base first): chr11-108327669-TAC-T. GRCh37 (hg19) VCF-style: chr11-108198396-TAC-T.
Other names: c.7004_7005del, p.Thr2335fs (NM_001351834.2); c.641-18600_641-18599del (NM_001330368.2); c.*38+7549_*38+7550del (NM_001351110.2); c.7004_7005delCA (NM_000051.3); short protein forms T2335fs.
Identifiers: ClinVar variation 1756650 (VCV001756650.2), dbSNP rs2547231996, ClinGen allele CA2580615060.